The following is an entry in ClinVar:

NM_130810.4(DNAAF4):c.11A>G (p.Gln4Arg)

Genes: DNAAF4 (dynein axonemal assembly factor 4; minus strand), DNAAF4-CCPG1 (DNAAF4-CCPG1 readthrough (NMD candidate); minus strand). Cytogenetic location: 15q21.3.
Variant type: single nucleotide variant.
Coding change: c.11A>G on transcript NM_130810.4 (MANE Select); coding-DNA position 11, A replaced by G.
Protein change: p.Gln4Arg; replaces glutamine 4 with arginine.
Molecular consequence: missense variant. On other transcripts: non-coding transcript variant (1).
Genome position (GRCh38, 1-based): chr15:55,498,319, T>C on the plus strand (A>G on the coding strand, the complement: DNAAF4 is on the minus strand). VCF-style: chr15-55498319-T-C. GRCh37 (hg19) VCF-style: chr15-55790517-T-C.
Other names: c.11A>G, p.Gln4Arg (NM_001033559.3, NM_001033560.2); short protein forms Q4R.
Identifiers: ClinVar variation 2612178 (VCV002612178.4), dbSNP rs1567036454, ClinGen allele CA392554203.

ClinVar aggregate classification (germline): Uncertain significance. Review status: criteria provided, multiple submitters, no conflicts (2 of 4 stars). 2 submissions from 2 submitters: Uncertain significance (2). Last evaluated 2024-04-25.

Conditions:
Inborn genetic diseases. Identifiers: MedGen C0950123, MeSH D030342.

Allele frequency attached by ClinVar (database versions not stated): gnomAD exomes 0.00001.
gnomAD v4.1: 7 of 1,605,342 alleles (0.00044%); highest among the groups gnomAD compares: East Asian, 0.0045%; no homozygotes.

Submissions (2):

Labcorp Genetics (formerly Invitae), Labcorp
Classification: Uncertain significance. Last evaluated: 2024-04-25. Review status: criteria provided, single submitter. Criteria: Invitae Variant Classification Sherloc (09022015). Collection method: clinical testing. Allele origin: germline.
Comment: This sequence change replaces glutamine, which is neutral and polar, with arginine, which is basic and polar, at codon 4 of the DNAAF4 protein (p.Gln4Arg). This variant is not present in population databases (gnomAD no frequency). This variant has not been reported in the literature in individuals affected with DNAAF4-related conditions. ClinVar contains an entry for this variant (Variation ID: 2612178). Advanced modeling of protein sequence and biophysical properties (such as structural, functional, and spatial information, amino acid conservation, physicochemical variation, residue mobility, and thermodynamic stability) performed at Invitae indicates that this missense variant is not expected to disrupt DNAAF4 protein function with a negative predictive value of 80%. In summary, the available evidence is currently insufficient to determine the role of this variant in disease. Therefore, it has been classified as a Variant of Uncertain Significance.

Ambry Genetics
Classification: Uncertain significance for Inborn genetic diseases. Last evaluated: 2023-07-14. Review status: criteria provided, single submitter. Criteria: Ambry Variant Classification Scheme 2023. Collection method: clinical testing. Allele origin: germline.